The following is an entry in ClinVar:

ClinVar aggregate classification (germline): Uncertain significance (1 of 4 stars; one submission).

Submission:

Labcorp Genetics (formerly Invitae), Labcorp
Classification: Uncertain significance. Last evaluated: 2022-04-06. Review status: criteria provided, single submitter. Criteria: Invitae Variant Classification Sherloc (09022015). Collection method: clinical testing. Allele origin: germline.
Comment: This variant, c.2772_2774dup, results in the insertion of 1 amino acid(s) of the POLR3A protein (p.Leu925dup), but otherwise preserves the integrity of the reading frame. This variant is present in population databases (no rsID available, gnomAD 0.003%). This variant has not been reported in the literature in individuals affected with POLR3A-related conditions. Experimental studies and prediction algorithms are not available or were not evaluated, and the functional significance of this variant is currently unknown. In summary, the available evidence is currently insufficient to determine the role of this variant in disease. Therefore, it has been classified as a Variant of Uncertain Significance.

NM_007055.4(POLR3A):c.2772_2774dup (p.Leu925_Asp926insLeu)

Gene: POLR3A (RNA polymerase III subunit A; minus strand). Cytogenetic location: 10q22.3.
Variant type: Duplication.
Coding change: c.2772_2774dup on transcript NM_007055.4 (MANE Select); coding-DNA positions 2772 to 2774, 3 bases duplicated (TCT; older notation c.2772_2774dupTCT).
Protein change: p.Leu925_Asp926insLeu.
Molecular consequence: inframe insertion.
Genome position (GRCh38, 1-based): chr10:77,993,210-77,993,212, AGA duplicated on the plus strand (TCT on the coding strand, the reverse complement: POLR3A is on the minus strand); duplicating any 3 consecutive bases within chr10:77,993,210-77,993,213 gives the same sequence; the c. name uses the placement nearest the transcript's 3' end. VCF-style (leftmost placement, unchanged base first): chr10-77993209-C-CAGA. GRCh37 (hg19) VCF-style: chr10-79752967-C-CAGA.
Identifiers: ClinVar variation 2118490 (VCV002118490.1), dbSNP rs1265328059, ClinGen allele CA594430485.